The following is an entry in ClinVar:

ClinVar aggregate classification (germline): Uncertain significance (1 of 4 stars; one submission).

gnomAD v4.1: 1 of 1,614,122 alleles (0.000062%); highest among the groups gnomAD compares: Non-Finnish European, 0.000085%; no homozygotes.

Submission:

Labcorp Genetics (formerly Invitae), Labcorp
Classification: Uncertain significance. Last evaluated: 2025-09-14. Review status: criteria provided, single submitter. Criteria: Invitae Variant Classification Sherloc (09022015). Collection method: clinical testing. Allele origin: germline.
Comment: This sequence change replaces lysine, which is basic and polar, with glutamine, which is neutral and polar, at codon 887 of the DIP2C protein (p.Lys887Gln). This variant is not present in population databases (gnomAD no frequency). This variant has not been reported in the literature in individuals affected with DIP2C-related conditions. An algorithm developed to predict the effect of missense changes on protein structure and function (PolyPhen-2) suggests that this variant is likely to be disruptive. In summary, the available evidence is currently insufficient to determine the role of this variant in disease. Therefore, it has been classified as a Variant of Uncertain Significance.

NM_014974.3(DIP2C):c.2659A>C (p.Lys887Gln)

Gene: DIP2C (DIP2 acetate--CoA ligase C (putative); minus strand). Cytogenetic location: 10p15.3.
Variant type: single nucleotide variant.
Coding change: c.2659A>C on transcript NM_014974.3 (MANE Select); coding-DNA position 2659, A replaced by C.
Protein change: p.Lys887Gln; replaces lysine 887 with glutamine.
Molecular consequence: missense variant.
Genome position (GRCh38, 1-based): chr10:362,625, T>G on the plus strand (A>C on the coding strand, the complement: DIP2C is on the minus strand). VCF-style: chr10-362625-T-G. GRCh37 (hg19) VCF-style: chr10-408565-T-G.
Other names: short protein forms K887Q.
Identifiers: ClinVar variation 4744592 (VCV004744592.1).
Genomic context (GRCh38, chr10:362,625, plus strand): 5'-GAGAGCCCTCCAGAAAAAGCTGTTTTGTTTCTGATAAATGGATCCCACCAAGCGGGGTTT[T>G]GGGGAGGGTGTTTGCTGGCACCAAGGCCAGGCAATAAACTCCAACTTGATGTATACTGTC-3'
Protein context (NP_055789.1, residues 877-897): LALVPANTLP[Lys887Gln]TPLGGIHLSE